The following is an entry in ClinVar:

NM_201548.5(CERKL):c.312del (p.Lys104fs)

Gene: CERKL (CERK like autophagy regulator; minus strand). Cytogenetic location: 2q31.3.
Variant type: Deletion.
Coding change: c.312del on transcript NM_201548.5 (MANE Select); coding-DNA position 312, one base deleted (A; older notation c.312delA).
Protein change: p.Lys104fs; shifts the reading frame from lysine 104.
Molecular consequence: frameshift variant. On other transcripts: non-coding transcript variant (2).
Genome position (GRCh38, 1-based): chr2:181,604,006, T deleted on the plus strand (A on the coding strand, the reverse complement: CERKL is on the minus strand); the first of 3 consecutive T bases (chr2:181,604,006-181,604,008); deleting any one gives the same sequence. VCF-style (leftmost placement, unchanged base first): chr2-181604005-GT-G. GRCh37 (hg19) VCF-style: chr2-182468732-GT-G.
Other names: c.312del, p.Lys104fs (NM_001030311.3, NM_001030312.3, NM_001030313.3 and 1 more transcripts); short protein forms K104fs.
Identifiers: ClinVar variation 1395469 (VCV001395469.6), dbSNP rs2105894253, ClinGen allele CA2573134205.

ClinVar aggregate classification (germline): Pathogenic (1 of 4 stars; one submission).

Submission:

Labcorp Genetics (formerly Invitae), Labcorp
Classification: Pathogenic. Last evaluated: 2023-11-27. Review status: criteria provided, single submitter. Criteria: Invitae Variant Classification Sherloc (09022015). Collection method: clinical testing. Allele origin: germline.
Comment: This sequence change creates a premature translational stop signal (p.Lys104Asnfs*15) in the CERKL gene. It is expected to result in an absent or disrupted protein product. Loss-of-function variants in CERKL are known to be pathogenic (PMID: 14681825, 23591405, 24043777). This variant is not present in population databases (gnomAD no frequency). This variant has not been reported in the literature in individuals affected with CERKL-related conditions. ClinVar contains an entry for this variant (Variation ID: 1395469). For these reasons, this variant has been classified as Pathogenic.

Literature cited by the submitters: PubMed 14681825; PubMed 23591405; PubMed 24043777.